The following is an entry in ClinVar:

ClinVar aggregate classification (germline): Uncertain significance (1 of 4 stars; one submission).

Conditions:
Hereditary cancer-predisposing syndrome. Also called: Tumor predisposition; Neoplastic Syndromes, Hereditary; Hereditary Cancer Syndrome; Hereditary neoplastic syndrome. Identifiers: Orphanet 140162, MedGen C0027672, MeSH D009386, MONDO:0015356.

Submission:

Ambry Genetics
Classification: Uncertain significance for Hereditary cancer-predisposing syndrome. Last evaluated: 2024-12-15. Review status: criteria provided, single submitter. Criteria: Ambry Variant Classification Scheme 2023. Collection method: clinical testing. Allele origin: germline.
Comment: The p.E109D variant (also known as c.327A>T), located in coding exon 4 of the PMS2 gene, results from an A to T substitution at nucleotide position 327. The glutamic acid at codon 109 is replaced by aspartic acid, an amino acid with highly similar properties. This amino acid position is conserved. In addition, this alteration is predicted to be deleterious by in silico analysis. Based on the available evidence, the clinical significance of this variant remains unclear.

NM_000535.7(PMS2):c.327A>T (p.Glu109Asp)

Gene: PMS2 (PMS1 homolog 2, mismatch repair system component; minus strand). Cytogenetic location: 7p22.1.
Variant type: single nucleotide variant.
Coding change: c.327A>T on transcript NM_000535.7 (MANE Select); coding-DNA position 327, A replaced by T.
Protein change: p.Glu109Asp; replaces glutamic acid 109 with aspartic acid.
Molecular consequence: missense variant. On other transcripts: 5 prime UTR variant (25), non-coding transcript variant (1), intron variant (21).
Genome position (GRCh38, 1-based): chr7:6,003,716, T>A on the plus strand (A>T on the coding strand, the complement: PMS2 is on the minus strand). VCF-style: chr7-6003716-T-A. GRCh37 (hg19) VCF-style: chr7-6043347-T-A.
Other names: c.-79A>T (NM_001322003.2, NM_001322004.2, NM_001322005.2 and 13 more transcripts); c.327A>T, p.Glu109Asp (NM_001322006.2, NM_001322014.2, NM_001406869.1 and 8 more transcripts); c.-558A>T (NM_001322011.2, NM_001322012.2); c.-158A>T (NM_001322015.2, NM_001406875.1, NM_001406877.1 and 3 more transcripts); c.513A>T, p.Glu171Asp (NM_001406866.1); c.351A>T, p.Glu117Asp (NM_001406868.1); c.-69A>T (NM_001406890.1); c.35+256A>T (NM_001322008.2, NM_001406902.1, NM_001406883.1 and 4 more transcripts); and 5 more; short protein forms E117D, E171D, E109D.
Identifiers: ClinVar variation 3890969 (VCV003890969.1).
Genomic context (GRCh38, chr7:6,003,716, plus strand): 5'-GGGGTCAAGTGAGTGGATAAAAATATTGTATCACCTCAGTGCACAAAGTGAGCTCAGAGC[T>A]TCCCCCCGAAAGCCAAAAGTTTCAACCTGAGTTAGGTCGGCAAACTCTTGAATCTTAGAT-3'
Protein context (NP_000526.2, residues 99-119): TQVETFGFRG[Glu109Asp]ALSSLCALSD